The following is an entry in ClinVar:

NM_003386.3(ZAN):c.5765= (p.His1922=)

Gene: ZAN (zonadhesin; plus strand). Cytogenetic location: 7q22.1.
Variant type: single nucleotide variant.
Coding change: c.5765= on transcript NM_003386.3 (MANE Select); coding-DNA position 5765, no change from the reference sequence.
Protein change: p.His1922=; no amino-acid change (histidine 1922 retained).
Molecular consequence: no sequence alteration. On other transcripts: non-coding transcript variant (3).
Genome position: GRCh38 VCF-style: chr7-100773851-A-A. GRCh37 (hg19) VCF-style: chr7-100371474-G-A.
Other names: c.5765=, p.His1922= (NM_173059.3).
Identifiers: ClinVar variation 403616 (VCV000403616.5), dbSNP rs78193191.

ClinVar aggregate classification (germline): Benign. Review status: criteria provided, multiple submitters, no conflicts (2 of 4 stars). 2 submissions from 2 submitters: Benign (2). Last evaluated 2016-03-28.

Allele frequency attached by ClinVar (database versions not stated): gnomAD 0.53013 and 0.51814; gnomAD exomes 0.65076; TOPMed 0.36286.

Submissions (2):

Laboratory for Molecular Medicine, Mass General Brigham Personalized Medicine
Classification: Benign. Last evaluated: 2016-03-28. Review status: criteria provided, single submitter. Criteria: LMM Criteria. Collection method: clinical testing. Allele origin: germline.
Comment: Variant identified in a genome or exome case(s) and assessed due to predicted null impact of the variant or pathogenic assertions in the literature or databases. Disclaimer: This variant has not undergone full assessment. The following are preliminary notes: 47% of total chromosomes in ExAC

Breakthrough Genomics
Classification: Benign. Review status: criteria provided, single submitter. Criteria: ACMG Guidelines, 2015. Collection method: not provided. Allele origin: germline. Inheritance: Unknown mechanism. Affected: yes.